The following is an entry in ClinVar:

NM_006767.4(LZTR1):c.938_940del (p.Cys313del)

Gene: LZTR1 (leucine zipper like post translational regulator 1; plus strand). Cytogenetic location: 22q11.21.
Variant type: Deletion.
Coding change: c.938_940del on transcript NM_006767.4 (MANE Select); coding-DNA positions 938 to 940, 3 bases deleted (GCT; older notation c.938_940delGCT).
Protein change: p.Cys313del; deletes cysteine 313.
Genome position (GRCh38, 1-based): chr22:20,991,774-20,991,776, GCT deleted; deleting any 3 consecutive bases within chr22:20,991,772-20,991,776 gives the same sequence; the c. name uses the placement nearest the transcript's 3' end. VCF-style (leftmost placement, unchanged base first): chr22-20991771-ACTG-A. GRCh37 (hg19) VCF-style: chr22-21346060-ACTG-A.
Other names: short protein forms C313del.
Identifiers: ClinVar variation 3668287 (VCV003668287.2).

ClinVar aggregate classification (germline): Uncertain significance (1 of 4 stars; one submission).

Submission:

Labcorp Genetics (formerly Invitae), Labcorp
Classification: Uncertain significance. Last evaluated: 2024-06-09. Review status: criteria provided, single submitter. Criteria: Invitae Variant Classification Sherloc (09022015). Collection method: clinical testing. Allele origin: germline.
Comment: This variant, c.938_940del, results in the deletion of 1 amino acid(s) of the LZTR1 protein (p.Cys313del), but otherwise preserves the integrity of the reading frame. This variant is present in population databases (no rsID available, gnomAD 0.007%). This variant has not been reported in the literature in individuals affected with LZTR1-related conditions. Experimental studies and prediction algorithms are not available or were not evaluated, and the functional significance of this variant is currently unknown. In summary, the available evidence is currently insufficient to determine the role of this variant in disease. Therefore, it has been classified as a Variant of Uncertain Significance.